The following is an entry in ClinVar:

NM_006129.5(BMP1):c.2293G>A (p.Asp765Asn)

Gene: BMP1 (bone morphogenetic protein 1; plus strand). Cytogenetic location: 8p21.3.
Variant type: single nucleotide variant.
Coding change: c.2293G>A on transcript NM_006129.5 (MANE Select); coding-DNA position 2293, G replaced by A.
Protein change: p.Asp765Asn; replaces aspartic acid 765 with asparagine.
Molecular consequence: missense variant. On other transcripts: non-coding transcript variant (1).
Genome position (GRCh38, 1-based): chr8:22,206,913, G>A. VCF-style: chr8-22206913-G-A. GRCh37 (hg19) VCF-style: chr8-22064426-G-A.
Other names: short protein forms D765N.
Identifiers: ClinVar variation 1519908 (VCV001519908.8), dbSNP rs771652666, ClinGen allele CA4665190.

ClinVar aggregate classification (germline): Uncertain significance (1 of 4 stars; one submission).

Allele frequency attached by ClinVar (database versions not stated): ExAC 0.00001; gnomAD exomes below 0.00001.
gnomAD v4.1: 1 of 1,614,196 alleles (0.000062%); highest among the groups gnomAD compares: Non-Finnish European, 0.000085%; no homozygotes.

Submission:

Labcorp Genetics (formerly Invitae), Labcorp
Classification: Uncertain significance. Last evaluated: 2025-04-08. Review status: criteria provided, single submitter. Criteria: Invitae Variant Classification Sherloc (09022015). Collection method: clinical testing. Allele origin: germline.
Comment: This sequence change replaces aspartic acid, which is acidic and polar, with asparagine, which is neutral and polar, at codon 765 of the BMP1 protein (p.Asp765Asn). This variant is present in population databases (rs771652666, gnomAD 0.0009%). This variant has not been reported in the literature in individuals affected with BMP1-related conditions. ClinVar contains an entry for this variant (Variation ID: 1519908). Invitae Evidence Modeling of protein sequence and biophysical properties (such as structural, functional, and spatial information, amino acid conservation, physicochemical variation, residue mobility, and thermodynamic stability) indicates that this missense variant is not expected to disrupt BMP1 protein function with a negative predictive value of 80%. In summary, the available evidence is currently insufficient to determine the role of this variant in disease. Therefore, it has been classified as a Variant of Uncertain Significance.